The following is an entry in ClinVar:

ClinVar aggregate classification (germline): Uncertain significance (1 of 4 stars; one submission).

Conditions:
Cardiovascular phenotype. Identifiers: MedGen CN230736.

Submission:

Ambry Genetics
Classification: Uncertain significance for Cardiovascular phenotype. Last evaluated: 2026-04-27. Review status: criteria provided, single submitter. Criteria: Ambry Variant Classification Scheme 2023. Collection method: clinical testing. Allele origin: germline.
Comment: The p.D582H variant (also known as c.1744G>C), located in coding exon 21 of the CACNA2D1 gene, results from a G to C substitution at nucleotide position 1744. The aspartic acid at codon 582 is replaced by histidine, an amino acid with similar properties. This amino acid position is conserved. In addition, this alteration is predicted to be deleterious by in silico analysis. Based on the available evidence, the clinical significance of this variant remains unclear.

NM_000722.4(CACNA2D1):c.1744G>C (p.Asp582His)

Gene: CACNA2D1 (calcium voltage-gated channel auxiliary subunit alpha2delta 1; minus strand). Cytogenetic location: 7q21.11.
Variant type: single nucleotide variant.
Coding change: c.1744G>C on transcript NM_000722.4 (MANE Select); coding-DNA position 1744, G replaced by C.
Protein change: p.Asp582His; replaces aspartic acid 582 with histidine.
Molecular consequence: missense variant.
Genome position (GRCh38, 1-based): chr7:81,991,237, C>G on the plus strand (G>C on the coding strand, the complement: CACNA2D1 is on the minus strand). VCF-style: chr7-81991237-C-G. GRCh37 (hg19) VCF-style: chr7-81620553-C-G.
Other names: c.1801G>C, p.Asp601His (NM_001366867.1); short protein forms D582H, D601H.
Identifiers: ClinVar variation 4868110 (VCV004868110.1).
Genomic context (GRCh38, chr7:81,991,237, plus strand): 5'-TTAATTACCTGTAATCTGTGCCATTGACAGGTGTCCATGTGTATGTCCTGTTTCCTTTGT[C>G]AATATATCTCTAGAAAGAAGTTTAACGTGGTTATTATCACTTTACATTTTGTATGAATAT-3'
Protein context (NP_000713.2, residues 572-592): LVKSQDERYI[Asp582His]KGNRTYTWTP